The following is an entry in ClinVar:

NM_001283009.2(RTEL1):c.835A>G (p.Ile279Val)

Genes: RTEL1 (regulator of telomere elongation helicase 1; plus strand), RTEL1-TNFRSF6B (RTEL1-TNFRSF6B readthrough (NMD candidate); plus strand). Cytogenetic location: 20q13.33.
Variant type: single nucleotide variant.
Coding change: c.835A>G on transcript NM_001283009.2 (MANE Select); coding-DNA position 835, A replaced by G.
Protein change: p.Ile279Val; replaces isoleucine 279 with valine.
Molecular consequence: missense variant. On other transcripts: non-coding transcript variant (1).
Genome position (GRCh38, 1-based): chr20:63,674,009, A>G. VCF-style: chr20-63674009-A-G. GRCh37 (hg19) VCF-style: chr20-62305362-A-G.
Other names: c.166A>G, p.Ile56Val (NM_001283010.1); c.835A>G, p.Ile279Val (NM_016434.4); c.907A>G, p.Ile303Val (NM_032957.5); short protein forms I279V, I303V, I56V.
Identifiers: ClinVar variation 4863554 (VCV004863554.1).
Genomic context (GRCh38, chr20:63,674,009, plus strand): 5'-TGTGAAGAATCGGCATCCTTTGACCTGACTCCCCATGACCTGGCTTCAGGACTGGACGTC[A>G]TAGACCAGGTGCTGGAGGAGCAGACCAAGGCAGCGCAGCAGGGTGAGCCCCACCCGGAGT-3'
Protein context (NP_001269938.1, residues 269-289): PHDLASGLDV[Ile279Val]DQVLEEQTKA

ClinVar aggregate classification (germline): Uncertain significance (1 of 4 stars; one submission).

Conditions:
Inborn genetic diseases. Identifiers: MedGen C0950123, MeSH D030342.

Submission:

Ambry Genetics
Classification: Uncertain significance for Inborn genetic diseases. Last evaluated: 2026-04-13. Review status: criteria provided, single submitter. Criteria: Ambry Variant Classification Scheme 2023. Collection method: clinical testing. Allele origin: germline.
Comment: The p.I279V variant (also known as c.835A>G), located in coding exon 9 of the RTEL1 gene, results from an A to G substitution at nucleotide position 835. The isoleucine at codon 279 is replaced by valine, an amino acid with highly similar properties. This amino acid position is conserved. In addition, this alteration is predicted to be tolerated by in silico analysis. Based on the available evidence, the clinical significance of this variant remains unclear.